The following is an entry in ClinVar:

ClinVar aggregate classification (germline): Likely benign (1 of 4 stars; one submission).

Allele frequency attached by ClinVar (database versions not stated): ExAC 0.00001; gnomAD 0.00001; gnomAD exomes 0.00001 and 0.00002; TOPMed 0.00002.
gnomAD v4.1: 7 of 1,613,524 alleles (0.00043%); highest among the groups gnomAD compares: East Asian, 0.013%; no homozygotes.

Submission:

GeneDx
Classification: Likely benign. Last evaluated: 2017-03-29. Review status: criteria provided, single submitter. Criteria: GeneDx Variant Classification (06012015). Collection method: clinical testing. Allele origin: germline. Affected: yes.
Comment: This variant is considered likely benign or benign based on one or more of the following criteria: it is a conservative change, it occurs at a poorly conserved position in the protein, it is predicted to be benign by multiple in silico algorithms, and/or has population frequency not consistent with disease.

NM_006514.4(SCN10A):c.3681+16G>A

Gene: SCN10A (sodium voltage-gated channel alpha subunit 10; minus strand). Cytogenetic location: 3p22.2.
Variant type: single nucleotide variant.
Coding change: c.3681+16G>A on transcript NM_006514.4 (MANE Select); 16 bases into the intron after coding-DNA position 3681, G replaced by A.
Molecular consequence: intron variant.
Genome position (GRCh38, 1-based): chr3:38,718,637, C>T on the plus strand (G>A on the coding strand, the complement: SCN10A is on the minus strand). VCF-style: chr3-38718637-C-T. GRCh37 (hg19) VCF-style: chr3-38760128-C-T.
Other names: c.3678+16G>A (NM_001293306.2); c.3387+16G>A (NM_001293307.2).
Identifiers: ClinVar variation 508265 (VCV000508265.1), dbSNP rs746661487, ClinGen allele CA2320168.
Genomic context (GRCh38, chr3:38,718,637, plus strand): 5'-CTTCCTTTGCCCTAGCTGTAGCCAGGAGTCAGAGGGGAGGACCCCAAACCCCACGTGTTC[C>T]CACTGAGCCACTCACATTCACAATGAGGAAGTCCAGCCAGCACCAGGCATTGGTGAAGTA-3'